The following is an entry in ClinVar:

NM_001243177.4(ALDOA):c.330_331delinsCT (p.Arg111Cys)

Genes: ALDOA (aldolase, fructose-bisphosphate A; plus strand), LOC112694756 (uncharaterized LOC112694756; plus strand). Cytogenetic location: 16p11.2.
Variant type: Indel.
Coding change: c.330_331delinsCT on transcript NM_001243177.4 (MANE Select); coding-DNA positions 330 to 331, GC replaced by CT.
Protein change: p.Arg111Cys; replaces arginine 111 with cysteine.
Molecular consequence: missense variant. On other transcripts: 3 prime UTR variant (3).
Genome position (GRCh38, 1-based): chr16:30,067,505-30,067,506, GC replaced by CT. VCF-style: chr16-30067505-GC-CT. GRCh37 (hg19) VCF-style: chr16-30078826-GC-CT.
Other names: c.168_169delinsCT, p.Arg57Cys (NM_001127617.2, NM_184041.5, NM_184043.2); c.*677_*678delinsCT (NM_001365304.2, NM_001365305.2, NM_001365307.2); short protein forms R57C, R111C.
Identifiers: ClinVar variation 1962724 (VCV001962724.5), dbSNP rs2543602920, ClinGen allele CA2580091470.
Genomic context (GRCh38, chr16:30,067,505, plus strand): 5'-CCCAGGGAGCATTGCCAAGCGGCTGCAGTCCATTGGCACCGAGAACACCGAGGAGAACCG[GC>CT]GCTTCTACCGCCAGCTGCTGCTGACAGCTGACGACCGCGTGAACCCCTGCATTGGGGGTG-3'
Protein context (NP_001230106.1, residues 101-121): IGTENTEENR[Arg111Cys]FYRQLLLTAD

ClinVar aggregate classification (germline): Uncertain significance (1 of 4 stars; one submission).

Conditions:
HNSHA due to aldolase A deficiency (GSD12). Also called: GLYCOGEN STORAGE DISEASE XII; GSD XII; RED CELL ALDOLASE DEFICIENCY; Glycogen storage disease due to aldolase A deficiency. Identifiers: Orphanet 57, MedGen C0272066, MONDO:0012747, OMIM 611881.

Submission:

Labcorp Genetics (formerly Invitae), Labcorp
Classification: Uncertain significance for HNSHA due to aldolase A deficiency. Last evaluated: 2023-03-23. Review status: criteria provided, single submitter. Criteria: Invitae Variant Classification Sherloc (09022015). Collection method: clinical testing. Allele origin: germline.
Comment: This sequence change replaces arginine, which is basic and polar, with cysteine, which is neutral and slightly polar, at codon 57 of the ALDOA protein (p.Arg57Cys). Information on the frequency of this variant in the gnomAD database is not available, as this variant may be reported differently in the database. This variant has not been reported in the literature in individuals affected with ALDOA-related conditions. ClinVar contains an entry for this variant (Variation ID: 1962724). Experimental studies and prediction algorithms are not available or were not evaluated, and the functional significance of this variant is currently unknown. In summary, the available evidence is currently insufficient to determine the role of this variant in disease. Therefore, it has been classified as a Variant of Uncertain Significance.